The following is an entry in ClinVar:

NM_198578.4(LRRK2):c.4871G>A (p.Gly1624Asp)

Gene: LRRK2 (leucine rich repeat kinase 2; plus strand). Cytogenetic location: 12q12.
Variant type: single nucleotide variant.
Coding change: c.4871G>A on transcript NM_198578.4 (MANE Select); coding-DNA position 4871, G replaced by A.
Protein change: p.Gly1624Asp; replaces glycine 1624 with aspartic acid.
Molecular consequence: missense variant.
Genome position (GRCh38, 1-based): chr12:40,320,031, G>A. VCF-style: chr12-40320031-G-A. GRCh37 (hg19) VCF-style: chr12-40713833-G-A.
Other names: short protein forms G1624D.
Identifiers: ClinVar variation 1743724 (VCV001743724.2), dbSNP rs2499873141, ClinGen allele CA384419479.
Genomic context (GRCh38, chr12:40,320,031, plus strand): 5'-TGACTCGAATCTTTCAGATTTTGACAGTGAAAGTGGAAGGTTGTCCAAAACACCCTAAGG[G>A]CATTATTTCGCGTAGAGATGTGGAAAAATTTCTTTCAAAAAAAAGGAAATTTCCAAAGAA-3'
Protein context (NP_940980.4, residues 1614-1634): KVEGCPKHPK[Gly1624Asp]IISRRDVEKF

ClinVar aggregate classification (germline): Uncertain significance (1 of 4 stars; one submission).

Conditions:
Inborn genetic diseases. Identifiers: MedGen C0950123, MeSH D030342.

Submission:

Ambry Genetics
Classification: Uncertain significance for Inborn genetic diseases. Last evaluated: 2021-12-14. Review status: criteria provided, single submitter. Criteria: Ambry Variant Classification Scheme 2023. Collection method: clinical testing. Allele origin: germline.
Comment: The p.G1624D variant (also known as c.4871G>A), located in coding exon 34 of the LRRK2 gene, results from a G to A substitution at nucleotide position 4871. The glycine at codon 1624 is replaced by aspartic acid, an amino acid with similar properties. This amino acid position is conserved. In addition, this alteration is predicted to be deleterious by in silico analysis. Since supporting evidence is limited at this time, the clinical significance of this alteration remains unclear.